The following is an entry in ClinVar:

ClinVar aggregate classification (germline): Uncertain significance (1 of 4 stars; one submission).

Submission:

Labcorp Genetics (formerly Invitae), Labcorp
Classification: Uncertain significance. Last evaluated: 2024-08-10. Review status: criteria provided, single submitter. Criteria: Invitae Variant Classification Sherloc (09022015). Collection method: clinical testing. Allele origin: germline.
Comment: This sequence change replaces leucine, which is neutral and non-polar, with proline, which is neutral and non-polar, at codon 691 of the IMPG1 protein (p.Leu691Pro). This variant is not present in population databases (gnomAD no frequency). This variant has not been reported in the literature in individuals affected with IMPG1-related conditions. An algorithm developed to predict the effect of missense changes on protein structure and function (PolyPhen-2) suggests that this variant is likely to be disruptive. In summary, the available evidence is currently insufficient to determine the role of this variant in disease. Therefore, it has been classified as a Variant of Uncertain Significance.

NM_001563.4(IMPG1):c.2072T>C (p.Leu691Pro)

Gene: IMPG1 (interphotoreceptor matrix proteoglycan 1; minus strand). Cytogenetic location: 6q14.1.
Variant type: single nucleotide variant.
Coding change: c.2072T>C on transcript NM_001563.4 (MANE Select); coding-DNA position 2072, T replaced by C.
Protein change: p.Leu691Pro; replaces leucine 691 with proline.
Molecular consequence: missense variant.
Genome position (GRCh38, 1-based): chr6:75,931,124, A>G on the plus strand (T>C on the coding strand, the complement: IMPG1 is on the minus strand). VCF-style: chr6-75931124-A-G. GRCh37 (hg19) VCF-style: chr6-76640841-A-G.
Other names: c.1838T>C, p.Leu613Pro (NM_001282368.2); short protein forms L613P, L691P.
Identifiers: ClinVar variation 3659146 (VCV003659146.2).